The following is an entry in ClinVar:

NM_006648.4(WNK2):c.2424G>A (p.Ala808=)

Gene: WNK2 (WNK lysine deficient protein kinase 2; plus strand). Cytogenetic location: 9q22.31.
Variant type: single nucleotide variant.
Coding change: c.2424G>A on transcript NM_006648.4 (MANE Select); coding-DNA position 2424, G replaced by A.
Protein change: p.Ala808=; no amino-acid change (alanine 808 retained).
Molecular consequence: synonymous variant.
Genome position (GRCh38, 1-based): chr9:93,258,972, G>A. VCF-style: chr9-93258972-G-A. GRCh37 (hg19) VCF-style: chr9-96021254-G-A.
Other names: c.2424G>A, p.Ala808= (NM_001282394.3).
Identifiers: ClinVar variation 3470022 (VCV003470022.7).
Genomic context (GRCh38, chr9:93,258,972, plus strand): 5'-ACTCCTGTGTCTCTTTCAGATGCCCCCGATTCCTGTTGTGCCCCCCATCACGCCCCTGGC[G>A]GGAATCGACGGCCTCCCTCCGGCCCTCCCAGACCTGCCGACCGCGACTGTGCCTCCCGTG-3'
Protein context (NP_006639.3, residues 798-818): IPVVPPITPL[Ala808=]GIDGLPPALP

ClinVar aggregate classification (germline): Likely benign. Review status: criteria provided, multiple submitters, no conflicts (2 of 4 stars). 2 submissions from 2 submitters: Likely benign (2). Last evaluated 2025-11-01.

gnomAD v4.1: 11,143 of 1,612,384 alleles (0.69%); highest among the groups gnomAD compares: Middle Eastern, 1.7%; 62 homozygotes.

Submissions (2):

CeGaT Center for Human Genetics Tuebingen
Classification: Likely benign. Last evaluated: 2025-11-01. Review status: criteria provided, single submitter. Criteria: CeGaT Center For Human Genetics Tuebingen Variant Classification Criteria Version 2. Collection method: clinical testing. Allele origin: germline. Affected: yes. Observed: 1 variant allele.
Comment: WNK2: BP4, BP7, BS2

Ambry Genetics
Classification: Likely benign. Last evaluated: 2024-10-02. Review status: criteria provided, single submitter. Criteria: Ambry Variant Classification Scheme 2023. Collection method: clinical testing. Allele origin: germline.